The following is an entry in ClinVar:

NM_001457.4(FLNB):c.7703A>G (p.Gln2568Arg)

Gene: FLNB (filamin B; plus strand). Cytogenetic location: 3p14.3.
Variant type: single nucleotide variant.
Coding change: c.7703A>G on transcript NM_001457.4 (MANE Select); coding-DNA position 7703, A replaced by G.
Protein change: p.Gln2568Arg; replaces glutamine 2568 with arginine.
Molecular consequence: missense variant.
Genome position (GRCh38, 1-based): chr3:58,170,656, A>G. VCF-style: chr3-58170656-A-G. GRCh37 (hg19) VCF-style: chr3-58156383-A-G.
Other names: c.7796A>G, p.Gln2599Arg (NM_001164317.2); c.7670A>G, p.Gln2557Arg (NM_001164318.2); c.7631A>G, p.Gln2544Arg (NM_001164319.2); short protein forms Q2544R, Q2557R, Q2568R, Q2599R.
Identifiers: ClinVar variation 3628979 (VCV003628979.2).

ClinVar aggregate classification (germline): Uncertain significance (1 of 4 stars; one submission).

Submission:

Labcorp Genetics (formerly Invitae), Labcorp
Classification: Uncertain significance. Last evaluated: 2025-06-30. Review status: criteria provided, single submitter. Criteria: Invitae Variant Classification Sherloc (09022015). Collection method: clinical testing. Allele origin: germline.
Comment: This sequence change replaces glutamine, which is neutral and polar, with arginine, which is basic and polar, at codon 2568 of the FLNB protein (p.Gln2568Arg). This variant is not present in population databases (gnomAD no frequency). This variant has not been reported in the literature in individuals affected with FLNB-related conditions. ClinVar contains an entry for this variant (Variation ID: 3628979). Invitae Evidence Modeling of protein sequence and biophysical properties (such as structural, functional, and spatial information, amino acid conservation, physicochemical variation, residue mobility, and thermodynamic stability) indicates that this missense variant is not expected to disrupt FLNB protein function with a negative predictive value of 95%. In summary, the available evidence is currently insufficient to determine the role of this variant in disease. Therefore, it has been classified as a Variant of Uncertain Significance.